The following is an entry in ClinVar:

ClinVar aggregate classification (germline): Uncertain significance (1 of 4 stars; one submission).

Submission:

GeneDx
Classification: Uncertain significance. Last evaluated: 2023-05-08. Review status: criteria provided, single submitter. Criteria: GeneDx Variant Classification Process June 2021. Collection method: clinical testing. Allele origin: germline. Affected: yes.
Comment: Not observed at significant frequency in large population cohorts (gnomAD); In silico analysis supports that this missense variant has a deleterious effect on protein structure/function; Has not been previously published as pathogenic or benign to our knowledge

NM_001110556.2(FLNA):c.2112G>C (p.Lys704Asn)

Gene: FLNA (filamin A; minus strand). Cytogenetic location: Xq28.
Variant type: single nucleotide variant.
Coding change: c.2112G>C on transcript NM_001110556.2 (MANE Select); coding-DNA position 2112, G replaced by C.
Protein change: p.Lys704Asn; replaces lysine 704 with asparagine.
Molecular consequence: missense variant.
Genome position (GRCh38, 1-based): chrX:154,364,283, C>G on the plus strand (G>C on the coding strand, the complement: FLNA is on the minus strand). VCF-style: chrX-154364283-C-G. GRCh37 (hg19) VCF-style: chrX-153592651-C-G.
Other names: c.2112G>C, p.Lys704Asn (NM_001456.4); short protein forms K704N.
Identifiers: ClinVar variation 2662023 (VCV002662023.1), dbSNP rs1557178670, ClinGen allele CA415238451.